The following is an entry in ClinVar:

ClinVar aggregate classification (germline): Conflicting classifications of pathogenicity. Review status: criteria provided, conflicting classifications (1 of 4 stars). 6 submissions from 6 submitters: Likely pathogenic (1); Uncertain significance (5). Last evaluated 2025-09-14.

Conditions:
Hypertrophic cardiomyopathy 1 (CMH1). Also called: Familial hypertrophic cardiomyopathy 1; MYH7-Related Familial Hypertrophic Cardiomyopathy. Identifiers: MedGen C3495498, MONDO:0008647, OMIM 192600.
Myopathy, myosin storage, autosomal recessive (CMYO7B). Also called: CONGENITAL MYOPATHY 7B, MYOSIN STORAGE, AUTOSOMAL RECESSIVE. Identifiers: Orphanet 636970, MedGen C1850709, MONDO:0009708, OMIM 255160.
Dilated cardiomyopathy 1S (CMD1S). Identifiers: Orphanet 154, Orphanet 54260, MedGen C1834481, MONDO:0013262, OMIM 613426.
MYH7-related skeletal myopathy. Also called: Laing early-onset distal myopathy; Myopathy, distal, 1; MYOPATHY, DISTAL, EARLY-ONSET, AUTOSOMAL DOMINANT; MYOPATHY, LATE DISTAL HEREDITARY; Laing distal myopathy. Identifiers: Orphanet 59135, MedGen C4552004, MONDO:0008050, OMIM 160500.
Myosin storage myopathy (CMYO7A). Also called: SCAPULOPERONEAL MUSCULAR DYSTROPHY; SCAPULOPERONEAL SYNDROME, MYOPATHIC TYPE; MYOPATHY, HYALINE BODY, AUTOSOMAL DOMINANT; MYOPATHY WITH LYSIS OF TYPE I MYOFIBRILS; MYH7-related late-onset scapuloperoneal muscular dystrophy; Congenital myopathy 7A, myosin storage, autosomal dominant. Identifiers: Orphanet 437572, Orphanet 636965, MedGen C1842160, MONDO:0008409, OMIM 608358.
Congenital myopathy with fiber type disproportion. Also called: Congenital fiber-type disproportion myopathy; Congenital fiber-type disproportion. Identifiers: Orphanet 2020, MedGen C0546264, MONDO:0009711. Inheritance: all.
Cardiomyopathy (CMYO). Also called: Cardiomyopathies. Identifiers: Orphanet 167848, MedGen C0878544, MONDO:0004994, HP:0001638. Inheritance: Various modes of inheritance.
Cardiovascular phenotype. Identifiers: MedGen CN230736.
Hypertrophic cardiomyopathy. Also called: HYPERTROPHIC MYOCARDIOPATHY. Identifiers: Orphanet 217569, MedGen C0007194, MeSH D002312, MONDO:0005045, HP:0001639.

Allele frequency attached by ClinVar (database versions not stated): gnomAD exomes below 0.00001; gnomAD 0.00001; TOPMed 0.00001.

Submissions (6):

Labcorp Genetics (formerly Invitae), Labcorp
Classification: Likely pathogenic for Hypertrophic cardiomyopathy. Last evaluated: 2025-09-14. Review status: criteria provided, single submitter. Criteria: Invitae Variant Classification Sherloc (09022015). Collection method: clinical testing. Allele origin: germline.
Comment: This sequence change replaces methionine, which is neutral and non-polar, with isoleucine, which is neutral and non-polar, at codon 852 of the MYH7 protein (p.Met852Ile). This variant is not present in population databases (gnomAD no frequency). This variant has not been reported in the literature in individuals affected with MYH7-related conditions. ClinVar contains an entry for this variant (Variation ID: 567905). Invitae Evidence Modeling of protein sequence and biophysical properties (such as structural, functional, and spatial information, amino acid conservation, physicochemical variation, residue mobility, and thermodynamic stability) indicates that this missense variant is expected to disrupt MYH7 protein function with a positive predictive value of 95%. This variant disrupts the p.Met852 amino acid residue in MYH7. Other variant(s) that disrupt this residue have been determined to be pathogenic (PMID: 12707239, 18403758, 24093860, 27247418). This suggests that this residue is clinically significant, and that variants that disrupt this residue are likely to be disease-causing. In summary, the currently available evidence indicates that the variant is pathogenic, but additional data are needed to prove that conclusively. Therefore, this variant has been classified as Likely Pathogenic.

GeneDx
Classification: Uncertain significance. Last evaluated: 2025-05-03. Review status: criteria provided, single submitter. Criteria: GeneDx Variant Classification Process June 2021. Collection method: clinical testing. Allele origin: germline. Affected: yes.
Comment: Not observed at significant frequency in large population cohorts (gnomAD); In silico analysis suggests that this missense variant does not alter protein structure/function; Has not been previously published in association with cardiomyopathy to our knowledge; This variant is associated with the following publications: (PMID: 34542152, 29300372, 27532257)

Ambry Genetics
Classification: Uncertain significance for Cardiovascular phenotype. Last evaluated: 2025-03-04. Review status: criteria provided, single submitter. Criteria: Ambry Variant Classification Scheme 2023. Collection method: clinical testing. Allele origin: germline.
Comment: The p.M852I variant (also known as c.2556G>A), located in coding exon 20 of the MYH7 gene, results from a G to A substitution at nucleotide position 2556. The methionine at codon 852 is replaced by isoleucine, an amino acid with highly similar properties. This alteration has been seen in exome and electronic medical record cohorts, but detailed cardiovascular history was not provided (Homburger JR et al. Proc Natl Acad Sci U S A, 2016 Jun;113:6701-6). This amino acid position is highly conserved in available vertebrate species. In addition, this alteration is predicted to be deleterious by in silico analysis. Based on the available evidence, the clinical significance of this variant remains unclear.

Fulgent Genetics
Classification: Uncertain significance for MYH7-related skeletal myopathy; Myosin storage myopathy; Hypertrophic cardiomyopathy 1; Myopathy, myosin storage, autosomal recessive; Congenital myopathy 4A, autosomal dominant; Dilated cardiomyopathy 1S. Last evaluated: 2021-10-29. Review status: criteria provided, single submitter. Criteria: ACMG Guidelines, 2015. Collection method: clinical testing. Allele origin: unknown.

AiLife Diagnostics
Classification: Uncertain significance. Last evaluated: 2021-09-08. Review status: criteria provided, single submitter. Criteria: ACMG Guidelines, 2015. Collection method: clinical testing. Allele origin: germline. Affected: yes. Observed: 1 variant allele.

Color Diagnostics, LLC DBA Color Health
Classification: Uncertain significance for Cardiomyopathy. Last evaluated: 2019-02-04. Review status: criteria provided, single submitter. Criteria: ACMG Guidelines, 2015. Collection method: clinical testing. Allele origin: germline.
Comment: Variant of Uncertain Significance due to insufficient evidence: This missense variant replaces methionine with isoleucine at codon 852 of the MYH7 protein. Computational prediction tools and conservation analyses suggest that this variant may have deleterious impact on the protein function. Computational splicing tools suggest that this variant may not impact RNA splicing. To our knowledge, functional assays have not been performed for this variant nor has this variant been reported in individuals affected with cardiovascular disorders in the literature. This variant is rare in the general population and has been identified in 0/277264 chromosomes by the Genome Aggregation Database (gnomAD). Available evidence is insufficient to determine the role of this variant in disease conclusively.

Literature cited by the submitters: PubMed 12707239 (cited by Labcorp Genetics (formerly Invitae), Labcorp); PubMed 18403758 (cited by Labcorp Genetics (formerly Invitae), Labcorp); PubMed 24093860 (cited by Labcorp Genetics (formerly Invitae), Labcorp); PubMed 27247418 (cited by Labcorp Genetics (formerly Invitae), Labcorp and Ambry Genetics).

NM_000257.4(MYH7):c.2556G>A (p.Met852Ile)

Genes: MYH7 (myosin heavy chain 7; minus strand), LOC126861898 (BRD4-independent group 4 enhancer GRCh37_chr14:23893609-23894808; plus strand). Cytogenetic location: 14q11.2.
Variant type: single nucleotide variant.
Coding change: c.2556G>A on transcript NM_000257.4 (MANE Select); coding-DNA position 2556, G replaced by A.
Protein change: p.Met852Ile; replaces methionine 852 with isoleucine.
Molecular consequence: missense variant.
Genome position (GRCh38, 1-based): chr14:23,424,892, C>T on the plus strand (G>A on the coding strand, the complement: MYH7 is on the minus strand). VCF-style: chr14-23424892-C-T. GRCh37 (hg19) VCF-style: chr14-23894101-C-T.
Other names: c.2556G>A (NM_000257.2); short protein forms M852I.
Identifiers: ClinVar variation 567905 (VCV000567905.17), dbSNP rs1343088568, ClinGen allele CA389048166.
Genomic context (GRCh38, chr14:23,424,892, plus strand): 5'-CTCCTTGCGGCGAGCCTCGGACTTCTCTAGCGCCTCTTTGAGGCGTGTGAACTCCTCCTT[C>T]ATGGAGGCCATCTCCTTCTCTCTTTCTGCACTCTTCAGCAGCGGCTTGATCTTGAAGTAG-3'
Protein context (NP_000248.2, residues 842-862): SAEREKEMAS[Met852Ile]KEEFTRLKEA